The following is an entry in ClinVar:

ClinVar aggregate classification (germline): Uncertain significance (1 of 4 stars; one submission).

Conditions:
Cardiovascular phenotype. Identifiers: MedGen CN230736.

Submission:

Ambry Genetics
Classification: Uncertain significance for Cardiovascular phenotype. Last evaluated: 2025-09-07. Review status: criteria provided, single submitter. Criteria: Ambry Variant Classification Scheme 2023. Collection method: clinical testing. Allele origin: germline.
Comment: The p.G940C variant (also known as c.2818G>T), located in coding exon 12 of the MYPN gene, results from a G to T substitution at nucleotide position 2818. The glycine at codon 940 is replaced by cysteine, an amino acid with highly dissimilar properties. This amino acid position is conserved. In addition, the in silico prediction for this alteration is inconclusive. Based on the available evidence, the clinical significance of this variant remains unclear.

NM_032578.4(MYPN):c.2818G>T (p.Gly940Cys)

Gene: MYPN (myopalladin; plus strand). Cytogenetic location: 10q21.3.
Variant type: single nucleotide variant.
Coding change: c.2818G>T on transcript NM_032578.4 (MANE Select); coding-DNA position 2818, G replaced by T.
Protein change: p.Gly940Cys; replaces glycine 940 with cysteine.
Molecular consequence: missense variant. On other transcripts: non-coding transcript variant (2).
Genome position (GRCh38, 1-based): chr10:68,189,019, G>T. VCF-style: chr10-68189019-G-T. GRCh37 (hg19) VCF-style: chr10-69948776-G-T.
Other names: c.2818G>T, p.Gly940Cys (NM_001256267.2); c.1936G>T, p.Gly646Cys (NM_001256268.2); short protein forms G646C, G940C.
Identifiers: ClinVar variation 4116171 (VCV004116171.1).